The following is an entry in ClinVar:

ClinVar aggregate classification (germline): Conflicting classifications of pathogenicity. Review status: criteria provided, conflicting classifications (1 of 4 stars). 4 submissions from 4 submitters: Uncertain significance (2); Likely benign (2). Last evaluated 2025-12-29.

Conditions:
TRPM1-related disorder. Also called: TRPM1-related condition.
Congenital stationary night blindness 1C. Also called: Night blindness, congenital stationary (complete), 1C, autosomal recessive. Identifiers: Orphanet 215, MedGen C2750747, MONDO:0013183, OMIM 613216.

Allele frequency attached by ClinVar (database versions not stated): gnomAD exomes 0.00002 and 0.00017; gnomAD 0.00004; TOPMed 0.00008; ExAC 0.00013.
gnomAD v4.1: 36 of 1,614,006 alleles (0.0022%); highest among the groups gnomAD compares: East Asian, 0.071%; no homozygotes.

Submissions (4):

Labcorp Genetics (formerly Invitae), Labcorp
Classification: Likely benign. Last evaluated: 2025-12-29. Review status: criteria provided, single submitter. Criteria: Invitae Variant Classification Sherloc (09022015). Collection method: clinical testing. Allele origin: germline.

PreventionGenetics, part of Exact Sciences
Classification: Likely benign for TRPM1-related condition. Last evaluated: 2025-12-26. Review status: criteria provided, single submitter. Criteria: ACMG Guidelines, 2015. Collection method: clinical testing. Allele origin: germline.
Comment: This variant is classified as likely benign based on ACMG/AMP sequence variant interpretation guidelines (Richards et al. 2015 PMID: 25741868, with internal and published modifications).

Blueprint Genetics
Classification: Uncertain significance. Last evaluated: 2022-07-20. Review status: criteria provided, single submitter. Criteria: ACMG Guidelines, 2015. Collection method: clinical testing. Allele origin: germline.

Illumina Laboratory Services, Illumina
Classification: Uncertain significance for Congenital stationary night blindness 1C. Last evaluated: 2018-01-13. Review status: criteria provided, single submitter. Criteria: ICSL Variant Classification Criteria 13 December 2019. Collection method: clinical testing. Allele origin: germline.

NM_001252024.2(TRPM1):c.602A>T (p.Asp201Val)

Gene: TRPM1 (transient receptor potential cation channel subfamily M member 1; minus strand). Cytogenetic location: 15q13.3.
Variant type: single nucleotide variant.
Coding change: c.602A>T on transcript NM_001252024.2 (MANE Select); coding-DNA position 602, A replaced by T.
Protein change: p.Asp201Val; replaces aspartic acid 201 with valine.
Molecular consequence: missense variant.
Genome position (GRCh38, 1-based): chr15:31,067,079, T>A on the plus strand (A>T on the coding strand, the complement: TRPM1 is on the minus strand). VCF-style: chr15-31067079-T-A. GRCh37 (hg19) VCF-style: chr15-31359282-T-A.
Other names: c.653A>T, p.Asp218Val (NM_001252020.2); c.536A>T, p.Asp179Val (NM_002420.6); c.653A>T (NM_001252020.1); short protein forms D179V, D218V, D201V.
Identifiers: ClinVar variation 761862 (VCV000761862.14), dbSNP rs761283836, ClinGen allele CA7452898.